The following is an entry in ClinVar:

NM_004304.5(ALK):c.4406del (p.Pro1469fs)

Gene: ALK (ALK receptor tyrosine kinase; minus strand). Cytogenetic location: 2p23.2.
Variant type: Deletion.
Coding change: c.4406del on transcript NM_004304.5 (MANE Select); coding-DNA position 4406, one base deleted (C; older notation c.4406delC).
Protein change: p.Pro1469fs; shifts the reading frame from proline 1469.
Molecular consequence: frameshift variant.
Genome position (GRCh38, 1-based): chr2:29,193,681, G deleted on the plus strand (C on the coding strand, the reverse complement: ALK is on the minus strand); the first of 2 consecutive G bases (chr2:29,193,681-29,193,682); deleting either gives the same sequence. VCF-style (leftmost placement, unchanged base first): chr2-29193680-CG-C. GRCh37 (hg19) VCF-style: chr2-29416546-CG-C.
Other names: c.1202del, p.Pro401fs (NM_001353765.2); short protein forms P401fs, P1469fs.
Identifiers: ClinVar variation 4769679 (VCV004769679.1).

ClinVar aggregate classification (germline): Uncertain significance (1 of 4 stars; one submission).

Conditions:
Neuroblastoma, susceptibility to, 3. Also called: ALK-Related Neuroblastic Tumor Susceptibility. Identifiers: Orphanet 635, MedGen C2751681, MONDO:0013083, OMIM 613014.

Submission:

Labcorp Genetics (formerly Invitae), Labcorp
Classification: Uncertain significance for Neuroblastoma, susceptibility to, 3. Last evaluated: 2025-06-06. Review status: criteria provided, single submitter. Criteria: Invitae Variant Classification Sherloc (09022015). Collection method: clinical testing. Allele origin: germline.
Comment: This sequence change creates a premature translational stop signal (p.Pro1469Argfs*8) in the ALK gene. While this is not anticipated to result in nonsense mediated decay, it is expected to disrupt the last 152 amino acid(s) of the ALK protein. This variant is not present in population databases (gnomAD no frequency). This variant has not been reported in the literature in individuals affected with ALK-related conditions. Experimental studies and prediction algorithms are not available or were not evaluated, and the functional significance of this variant is currently unknown. In summary, the available evidence is currently insufficient to determine the role of this variant in disease. Therefore, it has been classified as a Variant of Uncertain Significance.